The following is an entry in ClinVar:

NM_015978.3(TNNI3K):c.1699G>T (p.Ala567Ser)

Genes: FPGT-TNNI3K (FPGT-TNNI3K readthrough; plus strand), TNNI3K (TNNI3 interacting kinase; plus strand). Cytogenetic location: 1p31.1.
Variant type: single nucleotide variant.
Coding change: c.1699G>T on transcript NM_015978.3 (MANE Select); coding-DNA position 1699, G replaced by T.
Protein change: p.Ala567Ser; replaces alanine 567 with serine.
Molecular consequence: missense variant.
Genome position (GRCh38, 1-based): chr1:74,370,319, G>T. VCF-style: chr1-74370319-G-T. GRCh37 (hg19) VCF-style: chr1-74836003-G-T.
Other names: c.2002G>T, p.Ala668Ser (NM_001112808.3, NM_001199327.2); short protein forms A668S, A567S.
Identifiers: ClinVar variation 2092272 (VCV002092272.4), dbSNP rs1426606034, ClinGen allele CA340786548.

ClinVar aggregate classification (germline): Uncertain significance (1 of 4 stars; one submission).

Allele frequency attached by ClinVar (database versions not stated): gnomAD exomes below 0.00001; TOPMed below 0.00001.
gnomAD v4.1: 2 of 1,601,730 alleles (0.00012%); highest among the groups gnomAD compares: East Asian, 0.0023%; no homozygotes.

Submission:

Labcorp Genetics (formerly Invitae), Labcorp
Classification: Uncertain significance. Last evaluated: 2025-07-06. Review status: criteria provided, single submitter. Criteria: Invitae Variant Classification Sherloc (09022015). Collection method: clinical testing. Allele origin: germline.
Comment: This sequence change replaces alanine, which is neutral and non-polar, with serine, which is neutral and polar, at codon 567 of the TNNI3K protein (p.Ala567Ser). The frequency data for this variant in the population databases is considered unreliable, as metrics indicate poor data quality at this position in the gnomAD database. This variant has not been reported in the literature in individuals affected with TNNI3K-related conditions. ClinVar contains an entry for this variant (Variation ID: 2092272). Invitae Evidence Modeling of protein sequence and biophysical properties (such as structural, functional, and spatial information, amino acid conservation, physicochemical variation, residue mobility, and thermodynamic stability) indicates that this missense variant is not expected to disrupt TNNI3K protein function with a negative predictive value of 80%. In summary, the available evidence is currently insufficient to determine the role of this variant in disease. Therefore, it has been classified as a Variant of Uncertain Significance.